The following is an entry in ClinVar:

NC_000023.11:g.22111467del

Gene: PHEX (phosphate regulating endopeptidase X-linked; plus strand). Cytogenetic location: Xp22.11.
Variant type: Deletion.
Genome position: GRCh38 VCF-style: chrX-22111465-AG-A. GRCh37 (hg19) VCF-style: chrX-22129583-AG-A.
Identifiers: ClinVar variation 3720637 (VCV003720637.2).
Genomic context (GRCh38, chrX:22,111,465, plus strand): 5'-TTCTGCAGAGCATCAGATATTGACCTAAAATACAATAAATGGGCATCTCTCTCTGTTAAC[AG>A]GACCATTGCCAACTATTTGGTGTGGAGAATGGTTTATTCCAGAATTCCAAACCTTAGCAG-3'

ClinVar aggregate classification (germline): Pathogenic (1 of 4 stars; one submission).

Submission:

Labcorp Genetics (formerly Invitae), Labcorp
Classification: Pathogenic. Last evaluated: 2024-09-09. Review status: criteria provided, single submitter. Criteria: Invitae Variant Classification Sherloc (09022015). Collection method: clinical testing. Allele origin: germline.
Comment: This sequence change creates a premature translational stop signal (p.Thr361Profs*32) in the PHEX gene. It is expected to result in an absent or disrupted protein product. Loss-of-function variants in PHEX are known to be pathogenic (PMID: 9097956, 9106524, 19219621). This variant is not present in population databases (gnomAD no frequency). This variant has not been reported in the literature in individuals affected with PHEX-related conditions. Algorithms developed to predict the effect of sequence changes on RNA splicing suggest that this variant may disrupt the consensus splice site. For these reasons, this variant has been classified as Pathogenic.

Literature cited by the submitters: PubMed 9097956; PubMed 9106524; PubMed 19219621.